The following is an entry in ClinVar:

ClinVar aggregate classification (germline): Pathogenic (0 of 4 stars; one submission).

Conditions:
Angelman syndrome (AS). Also called: HAPPY PUPPET SYNDROME. Identifiers: Orphanet 72, MedGen C0162635, MONDO:0007113, OMIM 105830. Disease mechanism: loss of function. Inheritance: AS is caused by disruption of maternally imprinted UBE3A located within the 15q11.2-q13 Angelman syndrome/Prader-Willi syndrome (AS/PWS) region., imprinting disorder.

Submission:

Baylor Genetics
Classification: Pathogenic for Angelman Syndrome. Last evaluated: 2014-02-14. Review status: no assertion criteria provided. Collection method: clinical testing. Allele origin: germline. Affected: yes. Observed: 1 variant allele. Study: UBE3A Mutation Study.
Comment: Data collected from clinical UBE3A sequence analysis results

Literature cited by the submitters: PubMed 25212744.

NM_130839.5(UBE3A):c.1345G>T (p.Glu449Ter)

Genes: SNHG14 (small nucleolar RNA host gene 14; plus strand), UBE3A (ubiquitin protein ligase E3A; minus strand). Cytogenetic location: 15q11.2.
Variant type: single nucleotide variant.
Coding change: c.1345G>T on transcript NM_130839.5 (MANE Select); coding-DNA position 1345, G replaced by T.
Protein change: p.Glu449Ter; replaces glutamic acid 449 with a stop codon.
Molecular consequence: nonsense. On other transcripts: non-coding transcript variant (1), intron variant (2).
Genome position (GRCh38, 1-based): chr15:25,370,829, C>A on the plus strand (G>T on the coding strand, the complement: UBE3A is on the minus strand). VCF-style: chr15-25370829-C-A. GRCh37 (hg19) VCF-style: chr15-25615976-C-A.
Other names: c.1354G>T, p.Glu452Ter (NM_000462.5); c.1345G>T, p.Glu449Ter (NM_001354505.1, NM_001354538.2, NM_001354545.2); c.1285G>T, p.Glu429Ter (NM_001354506.2, NM_001354507.2, NM_001354508.2 and 17 more transcripts); c.1168G>T, p.Glu390Ter (NM_001354546.2); c.301+4636G>T (NM_001354551.2); c.361+4636G>T (NM_001354550.2); short protein forms E429*, E390*, E449*, E452*.
Identifiers: ClinVar variation 155949 (VCV000155949.1), dbSNP rs587781198, ClinGen allele CA333312.
Genomic context (GRCh38, chr15:25,370,829, plus strand): 5'-CTGTTTCTACTTTGAAAAAAGTATAATCTTTATCCATTTCTAGAACCTCATTCAGTGGTT[C>A]ATTAATAAACTCTTCAAAAGGGATAAGTGGTTTTCGACAATCCAGGGTTTTAACACCAAG-3'